The following is an entry in ClinVar:

NM_182961.4(SYNE1):c.2528G>A (p.Arg843His)

Gene: SYNE1 (spectrin repeat containing nuclear envelope protein 1; minus strand). Cytogenetic location: 6q25.2.
Variant type: single nucleotide variant.
Coding change: c.2528G>A on transcript NM_182961.4 (MANE Select); coding-DNA position 2528, G replaced by A.
Protein change: p.Arg843His; replaces arginine 843 with histidine.
Molecular consequence: missense variant.
Genome position (GRCh38, 1-based): chr6:152,458,797, C>T on the plus strand (G>A on the coding strand, the complement: SYNE1 is on the minus strand). VCF-style: chr6-152458797-C-T. GRCh37 (hg19) VCF-style: chr6-152779932-C-T.
Other names: c.2549G>A, p.Arg850His (NM_033071.5); short protein forms R843H, R850H.
Identifiers: ClinVar variation 471038 (VCV000471038.15), dbSNP rs191723029, ClinGen allele CA4059120.

ClinVar aggregate classification (germline): Uncertain significance. Review status: criteria provided, multiple submitters, no conflicts (2 of 4 stars). 4 submissions from 4 submitters: Uncertain significance (4). Last evaluated 2025-09-01.

Conditions:
SYNE1-related disorder. Also called: SYNE1-related disorders; SYNE1-related disease; SYNE1-related condition.
Autosomal recessive ataxia, Beauce type. Also called: Spinocerebellar ataxia, autosomal recessive 8; SYNE1 Deficiency; ATAXIA, RECESSIVE, OF BEAUCE; SYNE1-Related Autosomal Recessive Cerebellar Ataxia. Identifiers: Orphanet 88644, MedGen C1853116, MONDO:0012549, OMIM 610743.
Emery-Dreifuss muscular dystrophy 4, autosomal dominant (EDMD4). Also called: EMERY-DREIFUSS MUSCULAR DYSTROPHY 4 WITH VARIABLE FEATURES. Identifiers: Orphanet 261, MedGen C2751807, MONDO:0013071, OMIM 612998.

Allele frequency attached by ClinVar (database versions not stated): ExAC 0.00007; gnomAD 0.00008 and 0.00009; gnomAD exomes 0.00008; TOPMed 0.00012; 1000 Genomes Project 30x 0.00031; 1000 Genomes Project 0.00040.
gnomAD v4.1: 79 of 1,614,056 alleles (0.0049%); highest among the groups gnomAD compares: South Asian, 0.019%; 1 homozygote.

Submissions (4):

CeGaT Center for Human Genetics Tuebingen
Classification: Uncertain significance. Last evaluated: 2025-09-01. Review status: criteria provided, single submitter. Criteria: CeGaT Center For Human Genetics Tuebingen Variant Classification Criteria Version 2. Collection method: clinical testing. Allele origin: germline. Affected: yes. Observed: 1 variant allele.
Comment: SYNE1: PM2, BP4

PreventionGenetics, part of Exact Sciences
Classification: Uncertain significance for SYNE1-related condition. Last evaluated: 2025-04-25. Review status: criteria provided, single submitter. Criteria: ACMG Guidelines, 2015. Collection method: clinical testing. Allele origin: germline.
Comment: The SYNE1 c.2549G>A variant is predicted to result in the amino acid substitution p.Arg850His. To our knowledge, this variant has not been reported in the literature. This variant is reported in 0.023% of alleles in individuals of South Asian descent in gnomAD. At this time, the clinical significance of this variant is uncertain due to the absence of conclusive functional and genetic evidence.

Labcorp Genetics (formerly Invitae), Labcorp
Classification: Uncertain significance for Emery-Dreifuss muscular dystrophy 4, autosomal dominant; Autosomal recessive ataxia, Beauce type. Last evaluated: 2022-07-11. Review status: criteria provided, single submitter. Criteria: Invitae Variant Classification Sherloc (09022015). Collection method: clinical testing. Allele origin: germline.
Comment: This sequence change replaces arginine, which is basic and polar, with histidine, which is basic and polar, at codon 850 of the SYNE1 protein (p.Arg850His). This variant is present in population databases (rs191723029, gnomAD 0.02%). This variant has not been reported in the literature in individuals affected with SYNE1-related conditions. ClinVar contains an entry for this variant (Variation ID: 471038). Algorithms developed to predict the effect of missense changes on protein structure and function output the following: SIFT: "Tolerated"; PolyPhen-2: "Benign"; Align-GVGD: "Class C0". The histidine amino acid residue is found in multiple mammalian species, which suggests that this missense change does not adversely affect protein function. In summary, the available evidence is currently insufficient to determine the role of this variant in disease. Therefore, it has been classified as a Variant of Uncertain Significance.

Athena Diagnostics
Classification: Uncertain significance. Last evaluated: 2018-04-16. Review status: criteria provided, single submitter. Criteria: Athena Diagnostics Criteria. Collection method: clinical testing. Allele origin: germline.